The following is an entry in ClinVar:

ClinVar aggregate classification (germline): Benign. Review status: criteria provided, multiple submitters, no conflicts (2 of 4 stars). 8 submissions from 6 submitters: Benign (8). Last evaluated 2026-09-21.

Conditions:
Arrhythmogenic right ventricular dysplasia 2. Identifiers: MedGen C1832931.
Catecholaminergic polymorphic ventricular tachycardia 1. Also called: VENTRICULAR TACHYCARDIA, CATECHOLAMINERGIC POLYMORPHIC, 1, WITH OR WITHOUT ATRIAL DYSFUNCTION AND/OR DILATED CARDIOMYOPATHY; RYR2-Related Catecholaminergic Polymorphic Ventricular Tachycardia; VENTRICULAR TACHYCARDIA, STRESS-INDUCED POLYMORPHIC 1. Identifiers: Orphanet 3286, MedGen C1631597, MONDO:0011484, OMIM 604772.
Cardiac arrhythmia. Also called: Cardiac rhythm disease; Arrhythmia. Identifiers: MedGen C0003811, MONDO:0007263, HP:0011675.

Allele frequency attached by ClinVar (database versions not stated): TOPMed 0.90357; gnomAD 0.91119 and 0.90629; 1000 Genomes Project 30x 0.90256; ESP Exome Variant Server 0.90552; 1000 Genomes Project 0.90555; ExAC 0.95754; gnomAD exomes 0.96210 and 0.96907.
gnomAD v4.1: 1,533,001 of 1,591,350 alleles (96%); highest among the groups gnomAD compares: East Asian, 100%; 740,400 homozygotes.

Submissions (8):

Molecular Diagnostic Laboratory for Inherited Cardiovascular Disease, Montreal Heart Institute
Classification: Benign. Last evaluated: 2026-09-21. Review status: criteria provided, single submitter. Criteria: ACMG Guidelines, 2015. Collection method: clinical testing. Allele origin: germline. Affected: no.
Comment: BA1

Blueprint Genetics
Classification: Benign. Last evaluated: 2024-11-26. Review status: criteria provided, single submitter. Criteria: ACMG Guidelines, 2015. Collection method: clinical testing. Allele origin: germline.

Genome-Nilou Lab
Classification: Benign for Catecholaminergic polymorphic ventricular tachycardia 1. Last evaluated: 2021-11-07. Review status: criteria provided, single submitter. Criteria: ACMG Guidelines, 2015. Collection method: clinical testing. Allele origin: germline. Affected: no.

Genome-Nilou Lab
Classification: Benign for Ventricular arrhythmias due to cardiac ryanodine receptor calcium release deficiency syndrome. Last evaluated: 2021-11-07. Review status: criteria provided, single submitter. Criteria: ACMG Guidelines, 2015. Collection method: clinical testing. Allele origin: germline. Affected: no.

Genome-Nilou Lab
Classification: Benign for Catecholaminergic polymorphic ventricular tachycardia 1. Last evaluated: 2021-11-07. Review status: criteria provided, single submitter. Criteria: ACMG Guidelines, 2015. Collection method: clinical testing. Allele origin: germline. Affected: no.

GeneDx
Classification: Benign. Last evaluated: 2018-06-15. Review status: criteria provided, single submitter. Criteria: GeneDx Variant Classification (06012015). Collection method: clinical testing. Allele origin: germline. Affected: yes.
Comment: This variant is considered likely benign or benign based on one or more of the following criteria: it is a conservative change, it occurs at a poorly conserved position in the protein, it is predicted to be benign by multiple in silico algorithms, and/or has population frequency not consistent with disease.

Breakthrough Genomics
Classification: Benign. Review status: criteria provided, single submitter. Criteria: ACMG Guidelines, 2015. Collection method: not provided. Allele origin: germline. Inheritance: Autosomal dominant inheritance. Affected: yes.

PreventionGenetics, part of Exact Sciences
Classification: Benign. Review status: criteria provided, single submitter. Criteria: ACMG Guidelines, 2015. Collection method: clinical testing. Allele origin: germline.

NM_001035.3(RYR2):c.3423+49A>G

Gene: RYR2 (ryanodine receptor 2; plus strand). Cytogenetic location: 1q43.
Variant type: single nucleotide variant.
Coding change: c.3423+49A>G on transcript NM_001035.3 (MANE Select); 49 bases into the intron after coding-DNA position 3423, A replaced by G.
Molecular consequence: intron variant.
Genome position (GRCh38, 1-based): chr1:237,566,824, A>G. VCF-style: chr1-237566824-A-G. GRCh37 (hg19) VCF-style: chr1-237730124-A-G.
Other names: c.3423+49A>G (LRG_402t1).
Identifiers: ClinVar variation 257207 (VCV000257207.9), dbSNP rs2805390, ClinGen allele CA086373.
Genomic context (GRCh38, chr1:237,566,824, plus strand): 5'-GATGGCTTCAAGGTGAGTGGACTTTGTCCTGTGCCAGTCATCTGTACGTGCTGGAGGCTC[A>G]TCTCCTCTGCTGTTCCTCTTGGTAGCTTCACAGTACCAGTGTTTCCCACAGCACAAACGT-3'